The following is an entry in ClinVar:

ClinVar aggregate classification (germline): Conflicting classifications of pathogenicity. Review status: criteria provided, conflicting classifications (1 of 4 stars). 4 submissions from 4 submitters: Likely pathogenic (1); Uncertain significance (3). Last evaluated 2025-03-28.

Conditions:
Rhabdoid tumor predisposition syndrome 2 (RTPS2). Identifiers: Orphanet 231108, Orphanet 69077, MedGen C2750074, MONDO:0013224, OMIM 613325.
Hereditary cancer-predisposing syndrome. Also called: Neoplastic Syndromes, Hereditary; Tumor predisposition; Hereditary Cancer Syndrome; Hereditary neoplastic syndrome. Identifiers: Orphanet 140162, MedGen C0027672, MeSH D009386, MONDO:0015356.
Intellectual disability, autosomal dominant 16 (CSS4). Also called: COFFIN-SIRIS SYNDROME 4. Identifiers: Orphanet 1465, MedGen C3553249, MONDO:0013821, OMIM 614609.

Submissions (4):

Ambry Genetics
Classification: Uncertain significance for Hereditary cancer-predisposing syndrome. Last evaluated: 2025-03-28. Review status: criteria provided, single submitter. Criteria: Ambry Variant Classification Scheme 2023. Collection method: clinical testing. Allele origin: germline.
Comment: The p.T565M variant (also known as c.1694C>T), located in coding exon 9 of the SMARCA4 gene, results from a C to T substitution at nucleotide position 1694. The threonine at codon 565 is replaced by methionine, an amino acid with similar properties. This amino acid position is highly conserved in available vertebrate species. In addition, this alteration is predicted to be tolerated by in silico analysis. Based on the available evidence, the clinical significance of this variant remains unclear.

Labcorp Genetics (formerly Invitae), Labcorp
Classification: Uncertain significance for Rhabdoid tumor predisposition syndrome 2. Last evaluated: 2023-04-07. Review status: criteria provided, single submitter. Criteria: Invitae Variant Classification Sherloc (09022015). Collection method: clinical testing. Allele origin: germline.
Comment: ClinVar contains an entry for this variant (Variation ID: 819862). In summary, the available evidence is currently insufficient to determine the role of this variant in disease. Therefore, it has been classified as a Variant of Uncertain Significance. Advanced modeling of protein sequence and biophysical properties (such as structural, functional, and spatial information, amino acid conservation, physicochemical variation, residue mobility, and thermodynamic stability) has been performed at Invitae for this missense variant, however the output from this modeling did not meet the statistical confidence thresholds required to predict the impact of this variant on SMARCA4 protein function. This variant has not been reported in the literature in individuals affected with SMARCA4-related conditions. This variant is not present in population databases (gnomAD no frequency). This sequence change replaces threonine, which is neutral and polar, with methionine, which is neutral and non-polar, at codon 565 of the SMARCA4 protein (p.Thr565Met).

Centre of Medical Genetics, University Hospital Muenster
Classification: Likely pathogenic. Last evaluated: 2021-12-16. Review status: criteria provided, single submitter. Criteria: ACMG Guidelines, 2015. Collection method: clinical testing. Allele origin: de novo. Affected: yes. Observed: 1 variant allele, 1 heterozygote.
Comment: ACMG categories: PS2,PM2,PP3

Genome-Nilou Lab
Classification: Uncertain significance for Intellectual disability, autosomal dominant 16. Last evaluated: 2021-07-15. Review status: criteria provided, single submitter. Criteria: ACMG Guidelines, 2015. Collection method: clinical testing. Allele origin: germline. Affected: no.

NM_003072.5(SMARCA4):c.1694C>T (p.Thr565Met)

Gene: SMARCA4 (SWI/SNF related BAF chromatin remodeling complex subunit ATPase 4; plus strand). Cytogenetic location: 19p13.2.
Variant type: single nucleotide variant.
Coding change: c.1694C>T on transcript NM_003072.5 (MANE Select); coding-DNA position 1694, C replaced by T.
Protein change: p.Thr565Met; replaces threonine 565 with methionine.
Molecular consequence: missense variant. On other transcripts: non-coding transcript variant (1).
Genome position (GRCh38, 1-based): chr19:10,996,313, C>T. VCF-style: chr19-10996313-C-T. GRCh37 (hg19) VCF-style: chr19-11106989-C-T.
Other names: c.1694C>T, p.Thr565Met (NM_001128844.3, NM_001128845.2, NM_001128846.2 and 4 more transcripts); short protein forms T565M.
Identifiers: ClinVar variation 819862 (VCV000819862.20), dbSNP rs1600082359, ClinGen allele CA404064441.